The following is an entry in ClinVar:

NM_181426.2(CCDC39):c.2358_2362del (p.Ser786fs)

Genes: CCDC39 (coiled-coil domain 39 molecular ruler complex subunit; minus strand), TTC14 (tetratricopeptide repeat domain 14; plus strand). Cytogenetic location: 3q26.33.
Variant type: Deletion.
Coding change: c.2358_2362del on transcript NM_181426.2 (MANE Select); coding-DNA positions 2358 to 2362, 5 bases deleted (TAAAG; older notation c.2358_2362delTAAAG).
Protein change: p.Ser786fs; shifts the reading frame from serine 786.
Molecular consequence: frameshift variant. On other transcripts: intron variant (1).
Genome position (GRCh38, 1-based): chr3:180,616,870-180,616,874, CTTTA deleted on the plus strand (TAAAG on the coding strand, the reverse complement: CCDC39 is on the minus strand); deleting any 5 consecutive bases within chr3:180,616,870-180,616,877 gives the same sequence; the c. name uses the placement nearest the transcript's 3' end. VCF-style (leftmost placement, unchanged base first): chr3-180616869-TCTTTA-T. GRCh37 (hg19) VCF-style: chr3-180334657-TCTTTA-T.
Other names: c.2358_2362delTAAAG (NM_181426.1); c.1775-507_1775-503del (NM_001288582.2); short protein forms S786fs.
Identifiers: ClinVar variation 838859 (VCV000838859.17), dbSNP rs771057685, ClinGen allele CA2715700.

ClinVar aggregate classification (germline): Pathogenic/Likely pathogenic. Review status: criteria provided, multiple submitters, no conflicts (2 of 4 stars). 3 submissions from 3 submitters: Pathogenic (2); Likely pathogenic (1). Last evaluated 2025-04-01.

Conditions:
Primary ciliary dyskinesia 14. Also called: CILIARY DYSKINESIA, PRIMARY, 14, WITH OR WITHOUT SITUS INVERSUS. Identifiers: Orphanet 244, MedGen C3151136, MONDO:0013434, OMIM 613807.
Primary ciliary dyskinesia. Also called: Ciliary dyskinesia. Identifiers: Orphanet 244, MedGen C0008780, MONDO:0016575, HP:0012265.

Submissions (3):

Labcorp Genetics (formerly Invitae), Labcorp
Classification: Pathogenic for Primary ciliary dyskinesia. Last evaluated: 2025-04-01. Review status: criteria provided, single submitter. Criteria: Invitae Variant Classification Sherloc (09022015). Collection method: clinical testing. Allele origin: germline.
Comment: This sequence change creates a premature translational stop signal (p.Ser786Argfs*32) in the CCDC39 gene. It is expected to result in an absent or disrupted protein product. Loss-of-function variants in CCDC39 are known to be pathogenic (PMID: 21131972, 23255504). This variant is present in population databases (rs771057685, gnomAD 0.01%). This premature translational stop signal has been observed in individuals with primary ciliary dyskinesia (PMID: 21131972; internal data). ClinVar contains an entry for this variant (Variation ID: 838859). For these reasons, this variant has been classified as Pathogenic.

Revvity Omics, Revvity
Classification: Likely pathogenic for Primary ciliary dyskinesia 14. Last evaluated: 2021-08-04. Review status: criteria provided, single submitter. Criteria: ACMG Guidelines, 2015. Collection method: clinical testing. Allele origin: germline.

Ambry Genetics
Classification: Pathogenic for Primary ciliary dyskinesia. Last evaluated: 2016-12-12. Review status: criteria provided, single submitter. Criteria: Ambry Variant Classification Scheme 2023. Collection method: clinical testing. Allele origin: germline.
Comment: The c.2358_2362delTAAAG pathogenic mutation, located in coding exon 17 of the CCDC39 gene, results from a deletion of 5 nucleotides at nucleotide positions 2358 to 2362, causing a translational frameshift with a predicted alternate stop codon (p.S786Rfs*32). This alteration is expected to result in loss of function by premature protein truncation or nonsense-mediated mRNA decay. As such, this alteration is interpreted as a disease-causing mutation.

Literature cited by the submitters: PubMed 21131972 (cited by Labcorp Genetics (formerly Invitae), Labcorp); PubMed 23255504 (cited by Labcorp Genetics (formerly Invitae), Labcorp).